The following is an entry in ClinVar:

NM_001130823.3(DNMT1):c.4424A>G (p.His1475Arg)

Gene: DNMT1 (DNA methyltransferase 1; minus strand). Cytogenetic location: 19p13.2.
Variant type: single nucleotide variant.
Coding change: c.4424A>G on transcript NM_001130823.3 (MANE Select); coding-DNA position 4424, A replaced by G.
Protein change: p.His1475Arg; replaces histidine 1475 with arginine.
Molecular consequence: missense variant.
Genome position (GRCh38, 1-based): chr19:10,137,150, T>C on the plus strand (A>G on the coding strand, the complement: DNMT1 is on the minus strand). VCF-style: chr19-10137150-T-C. GRCh37 (hg19) VCF-style: chr19-10247826-T-C.
Other names: c.4376A>G, p.His1459Arg (NM_001318730.2, NM_001379.4); c.4061A>G, p.His1354Arg (NM_001318731.2); short protein forms H1354R, H1459R, H1475R.
Identifiers: ClinVar variation 854010 (VCV000854010.9), dbSNP rs1265513327, ClinGen allele CA403969443.

ClinVar aggregate classification (germline): Uncertain significance (1 of 4 stars; one submission).

Conditions:
Hereditary sensory neuropathy-deafness-dementia syndrome. Also called: Hereditary sensory neuropathy type IE; NEUROPATHY, HEREDITARY SENSORY, WITH HEARING LOSS AND DEMENTIA; Hereditary Sensory and Autonomic Neuropathy Type 1E (HSAN1E); HSN IE. Identifiers: Orphanet 456318, MedGen C3279885, MONDO:0013584, OMIM 614116.

Allele frequency attached by ClinVar (database versions not stated): gnomAD 0.00001.

Submission:

Labcorp Genetics (formerly Invitae), Labcorp
Classification: Uncertain significance for Hereditary sensory neuropathy-deafness-dementia syndrome. Last evaluated: 2019-11-26. Review status: criteria provided, single submitter. Criteria: Invitae Variant Classification Sherloc (09022015). Collection method: clinical testing. Allele origin: germline.
Comment: Algorithms developed to predict the effect of missense changes on protein structure and function (SIFT, PolyPhen-2, Align-GVGD) all suggest that this variant is likely to be tolerated, but these predictions have not been confirmed by published functional studies and their clinical significance is uncertain. This variant has not been reported in the literature in individuals with DNMT1-related conditions. This variant is not present in population databases (ExAC no frequency). This sequence change replaces histidine with arginine at codon 1475 of the DNMT1 protein (p.His1475Arg). The histidine residue is moderately conserved and there is a small physicochemical difference between histidine and arginine. In summary, the available evidence is currently insufficient to determine the role of this variant in disease. Therefore, it has been classified as a Variant of Uncertain Significance.